The following is an entry in ClinVar:

NM_020529.3(NFKBIA):c.283C>G (p.Arg95Gly)

Gene: NFKBIA (NFKB inhibitor alpha; minus strand). Cytogenetic location: 14q13.2.
Variant type: single nucleotide variant.
Coding change: c.283C>G on transcript NM_020529.3 (MANE Select); coding-DNA position 283, C replaced by G.
Protein change: p.Arg95Gly; replaces arginine 95 with glycine.
Molecular consequence: missense variant.
Genome position (GRCh38, 1-based): chr14:35,403,743, G>C on the plus strand (C>G on the coding strand, the complement: NFKBIA is on the minus strand). VCF-style: chr14-35403743-G-C. GRCh37 (hg19) VCF-style: chr14-35872949-G-C.
Other names: short protein forms R95G.
Identifiers: ClinVar variation 969546 (VCV000969546.10), dbSNP rs779105881, ClinGen allele CA389454345.

ClinVar aggregate classification (germline): Uncertain significance (1 of 4 stars; one submission).

Conditions:
Ectodermal dysplasia and immunodeficiency 2. Identifiers: Orphanet 238468, Orphanet 98813, MedGen C2677481, MONDO:0012806, OMIM 612132.

gnomAD v4.1: 2 of 1,613,968 alleles (0.00012%); highest among the groups gnomAD compares: Non-Finnish European, 0.00017%; no homozygotes.

Submission:

Labcorp Genetics (formerly Invitae), Labcorp
Classification: Uncertain significance for Ectodermal dysplasia and immunodeficiency 2. Last evaluated: 2019-10-16. Review status: criteria provided, single submitter. Criteria: Invitae Variant Classification Sherloc (09022015). Collection method: clinical testing. Allele origin: germline.
Comment: In summary, the available evidence is currently insufficient to determine the role of this variant in disease. Therefore, it has been classified as a Variant of Uncertain Significance. This variant has not been reported in the literature in individuals with NFKBIA-related conditions. This variant is not present in population databases (ExAC no frequency). Algorithms developed to predict the effect of missense changes on protein structure and function output the following: SIFT: "Tolerated"; PolyPhen-2: "Benign"; Align-GVGD: "Class C0". The glycine amino acid residue is found in multiple mammalian species, suggesting that this missense change does not adversely affect protein function. These predictions have not been confirmed by published functional studies and their clinical significance is uncertain. This sequence change replaces arginine with glycine at codon 95 of the NFKBIA protein (p.Arg95Gly). The arginine residue is moderately conserved and there is a moderate physicochemical difference between arginine and glycine.